The following is an entry in ClinVar:

ClinVar aggregate classification (germline): Uncertain significance (1 of 4 stars; one submission).

Conditions:
Juvenile polyposis syndrome (JPS). Identifiers: Orphanet 2929, MedGen C0345893, MONDO:0017380, OMIM 174900.

Submission:

All of Us Research Program, National Institutes of Health
Classification: Uncertain significance for Juvenile polyposis syndrome. Last evaluated: 2024-02-22. Review status: criteria provided, single submitter. Criteria: ACMG Guidelines, 2015. Collection method: clinical testing. Allele origin: germline. Inheritance: Autosomal dominant inheritance. Observed: 1 variant allele, 1 heterozygote.
Comment: This missense variant replaces proline with threonine at codon 424 of the BMPR1A protein. Computational prediction suggests that this variant may not impact protein structure and function (internally defined REVEL score threshold <= 0.5, PMID: 27666373). To our knowledge, functional studies have not been reported for this variant. This variant has not been reported in individuals affected with BMPR1A-related disorders in the literature. This variant has not been identified in the general population by the Genome Aggregation Database (gnomAD). The available evidence is insufficient to determine the role of this variant in disease conclusively. Therefore, this variant is classified as a Variant of Uncertain Significance.

This study involves interpretation of variants in research participants for the purpose of population health screening. Participant phenotype was not available at the time of variant classification. Additional details can be found in publication PMID: 35346344, PMCID: PMC8962531

NM_004329.3(BMPR1A):c.1270C>A (p.Pro424Thr)

Gene: BMPR1A (bone morphogenetic protein receptor type 1A; plus strand). Cytogenetic location: 10q23.2.
Variant type: single nucleotide variant.
Coding change: c.1270C>A on transcript NM_004329.3 (MANE Select); coding-DNA position 1270, C replaced by A.
Protein change: p.Pro424Thr; replaces proline 424 with threonine.
Molecular consequence: missense variant. On other transcripts: non-coding transcript variant (3).
Genome position (GRCh38, 1-based): chr10:86,921,623, C>A. VCF-style: chr10-86921623-C-A. GRCh37 (hg19) VCF-style: chr10-88681380-C-A.
Other names: c.1345C>A, p.Pro449Thr (NM_001406559.1); c.1318C>A, p.Pro440Thr (NM_001406560.1); c.1270C>A, p.Pro424Thr (NM_001406561.1, NM_001406562.1, NM_001406563.1 and 19 more transcripts); c.1264C>A, p.Pro422Thr (NM_001406583.1); c.1186C>A, p.Pro396Thr (NM_001406584.1, NM_001406585.1, NM_001406586.1 and 2 more transcripts); c.928C>A, p.Pro310Thr (NM_001406589.1); short protein forms P310T, P396T, P422T, P424T, P440T, P449T.
Identifiers: ClinVar variation 3386033 (VCV003386033.1).